The following is an entry in ClinVar:

NM_007294.4(BRCA1):c.1704T>G (p.Pro568=)

Gene: BRCA1 (BRCA1 DNA repair associated; minus strand). Cytogenetic location: 17q21.31.
Variant type: single nucleotide variant.
Coding change: c.1704T>G on transcript NM_007294.4 (MANE Select); coding-DNA position 1704, T replaced by G.
Protein change: p.Pro568=; no amino-acid change (proline 568 retained).
Molecular consequence: synonymous variant. On other transcripts: intron variant (137).
Genome position (GRCh38, 1-based): chr17:43,093,827, A>C on the plus strand (T>G on the coding strand, the complement: BRCA1 is on the minus strand). VCF-style: chr17-43093827-A-C. GRCh37 (hg19) VCF-style: chr17-41245844-A-C.
Other names: c.1491T>G, p.Pro497= (NM_001407571.1, NM_001407853.1, NM_001407894.1 and 9 more transcripts); c.1704T>G, p.Pro568= (NM_001407581.1, NM_001407582.1, NM_001407583.1 and 30 more transcripts); c.1701T>G, p.Pro567= (NM_001407587.1, NM_001407590.1, NM_001407591.1 and 22 more transcripts); c.1695T>G, p.Pro565= (NM_001407646.1, NM_001407647.1); c.1581T>G, p.Pro527= (NM_001407648.1, NM_001407664.1, NM_001407665.1 and 19 more transcripts); c.1578T>G, p.Pro526= (NM_001407649.1, NM_001407670.1, NM_001407671.1 and 11 more transcripts); c.1626T>G, p.Pro542= (NM_001407653.1, NM_001407654.1, NM_001407655.1 and 4 more transcripts); c.1623T>G, p.Pro541= (NM_001407659.1, NM_001407660.1, NM_001407661.1 and 1 more transcripts); and 40 more.
Identifiers: ClinVar variation 136079 (VCV000136079.35), dbSNP rs587780795, ClinGen allele CA001118.
Genomic context (GRCh38, chr17:43,093,827, plus strand): 5'-GCTTATAGGTTCAGCTTTCGTTTTGAAAGCAGATTCTTTTTCGAGTGATTCTATTGGGTT[A>C]GGATTTTTCTCATTCTGAATAGAATCACCTTTTGTTTTATTCTCATGACCACTATTAGTA-3'
Protein context (NP_009225.1, residues 558-578): KGDSIQNEKN[Pro568=]NPIESLEKES

ClinVar aggregate classification (germline): Likely benign. Review status: reviewed by expert panel (3 of 4 stars). 12 submissions from 12 submitters: Likely benign (1). 11 of the submissions do not count toward it. Last evaluated 2017-06-29.

Conditions:
BRCA1-related disorder. Also called: BRCA1-related condition.
Hereditary cancer-predisposing syndrome. Also called: Tumor predisposition; Hereditary neoplastic syndrome; Hereditary Cancer Syndrome; Neoplastic Syndromes, Hereditary. Identifiers: Orphanet 140162, MedGen C0027672, MeSH D009386, MONDO:0015356.
Hereditary breast ovarian cancer syndrome. Also called: Hereditary breast and/or ovarian cancer syndrome; Breast and ovarian cancer; Hereditary breast and ovarian cancer syndrome; Hereditary breast and ovarian cancer; Hereditary breast and ovarian cancer syndrome (HBOC); BRCA1- and BRCA2-Associated Hereditary Breast and Ovarian Cancer. Identifiers: Orphanet 145, MedGen C0677776, MeSH D061325, MONDO:0003582. Disease mechanism: loss of function.
Breast-ovarian cancer, familial, susceptibility to, 1 (BROVCA1). Also called: BRCA1 Hereditary Breast and Ovarian Cancer; OVARIAN CANCER, SUSCEPTIBILITY TO. Identifiers: Orphanet 145, MedGen C2676676, MONDO:0011450, OMIM 604370. Disease mechanism: loss of function.

Allele frequency attached by ClinVar (database versions not stated): gnomAD exomes below 0.00001 and 0.00001; TOPMed below 0.00001.
gnomAD v4.1: 3 of 1,613,474 alleles (0.00019%); highest among the groups gnomAD compares: Admixed American, 0.0033%; no homozygotes.

Submissions (12):

Evidence-based Network for the Interpretation of Germline Mutant Alleles (ENIGMA)
Classification: Likely benign for Breast-ovarian cancer, familial, susceptibility to, 1. Last evaluated: 2017-06-29. Review status: reviewed by expert panel. Criteria: ENIGMA BRCA1/2 Classification Criteria (2017-06-29). Collection method: curation. Allele origin: germline.
Comment: Synonymous substitution variant, with low bioinformatic likelihood to result in a splicing aberration (Splicing prior probability 0.02).

Labcorp Genetics (formerly Invitae), Labcorp
Classification: Likely benign for Hereditary breast ovarian cancer syndrome. Last evaluated: 2026-02-03. Review status: criteria provided, single submitter. Criteria: Invitae Variant Classification Sherloc (09022015). Collection method: clinical testing. Allele origin: germline. Not counted in ClinVar's aggregate classification.

PreventionGenetics, part of Exact Sciences
Classification: Likely benign for BRCA1-related condition. Last evaluated: 2025-11-02. Review status: criteria provided, single submitter. Criteria: ACMG Guidelines, 2015. Collection method: clinical testing. Allele origin: germline. Not counted in ClinVar's aggregate classification.
Comment: This variant is classified as likely benign based on ACMG/AMP sequence variant interpretation guidelines (Richards et al. 2015 PMID: 25741868, with internal and published modifications).

Women's Health and Genetics/Laboratory Corporation of America, LabCorp
Classification: Likely benign. Last evaluated: 2024-12-06. Review status: criteria provided, single submitter. Criteria: LabCorp Variant Classification Summary - May 2015. Collection method: clinical testing. Allele origin: germline. Not counted in ClinVar's aggregate classification.

All of Us Research Program, National Institutes of Health
Classification: Likely benign for Breast-ovarian cancer, familial, susceptibility to, 1. Last evaluated: 2023-08-15. Review status: criteria provided, single submitter. Criteria: ACMG Guidelines, 2015. Collection method: clinical testing. Allele origin: germline. Inheritance: Autosomal dominant inheritance. Observed: 3 variant alleles, 3 heterozygotes. Not counted in ClinVar's aggregate classification.
Comment: This study involves interpretation of variants in research participants for the purpose of population health screening. Participant phenotype was not available at the time of variant classification. Additional details can be found in publication PMID: 35346344, PMCID: PMC8962531

Quest Diagnostics Nichols Institute San Juan Capistrano
Classification: Likely benign. Last evaluated: 2022-04-20. Review status: criteria provided, single submitter. Criteria: Quest Diagnostics criteria. Collection method: clinical testing. Allele origin: unknown. Not counted in ClinVar's aggregate classification.

GeneDx
Classification: Likely benign. Last evaluated: 2019-07-17. Review status: criteria provided, single submitter. Criteria: GeneDx Variant Classification Process June 2021. Collection method: clinical testing. Allele origin: germline. Affected: yes. Not counted in ClinVar's aggregate classification.

Color Diagnostics, LLC DBA Color Health
Classification: Likely benign for Hereditary cancer-predisposing syndrome. Last evaluated: 2018-08-28. Review status: criteria provided, single submitter. Criteria: ACMG Guidelines, 2015. Collection method: clinical testing. Allele origin: germline. Not counted in ClinVar's aggregate classification.

ARUP Laboratories, Molecular Genetics and Genomics, ARUP Laboratories
Classification: Likely benign. Last evaluated: 2017-03-14. Review status: criteria provided, single submitter. Criteria: ARUP Molecular Germline Variant Investigation Process. Collection method: clinical testing. Allele origin: germline. Not counted in ClinVar's aggregate classification.

Ambry Genetics
Classification: Likely benign for Hereditary cancer-predisposing syndrome. Last evaluated: 2014-06-18. Review status: criteria provided, single submitter. Criteria: Ambry Variant Classification Scheme 2023. Collection method: clinical testing. Allele origin: germline. Not counted in ClinVar's aggregate classification.

True Health Diagnostics
Classification: Likely benign for Hereditary cancer-predisposing syndrome. Last evaluated: 2017-11-10. Review status: no assertion criteria provided. Collection method: clinical testing. Allele origin: germline. Not counted in ClinVar's aggregate classification.

Counsyl
Classification: Likely benign for Breast-ovarian cancer, familial, susceptibility to, 1. Last evaluated: 2016-03-22. Review status: no assertion criteria provided. Collection method: clinical testing. Allele origin: unknown. Not counted in ClinVar's aggregate classification.

Literature cited by the submitters: PubMed 16267036 (cited by 3 submitters).